The following is an entry in ClinVar:

NM_000179.3(MSH6):c.1261T>C (p.Phe421Leu)

Gene: MSH6 (mutS homolog 6; plus strand). Cytogenetic location: 2p16.3.
Variant type: single nucleotide variant.
Coding change: c.1261T>C on transcript NM_000179.3 (MANE Select); coding-DNA position 1261, T replaced by C.
Protein change: p.Phe421Leu; replaces phenylalanine 421 with leucine.
Molecular consequence: missense variant. On other transcripts: non-coding transcript variant (4), intron variant (1).
Genome position (GRCh38, 1-based): chr2:47,799,244, T>C. VCF-style: chr2-47799244-T-C. GRCh37 (hg19) VCF-style: chr2-48026383-T-C.
Other names: c.871T>C, p.Phe291Leu (NM_001281492.2); c.355T>C, p.Phe119Leu (NM_001281493.2, NM_001281494.2, NM_001406811.1 and 6 more transcripts); c.1357T>C, p.Phe453Leu (NM_001406795.1, NM_001406802.1); c.1261T>C, p.Phe421Leu (NM_001406796.1, NM_001406798.1, NM_001406800.1 and 4 more transcripts); c.964T>C, p.Phe322Leu (NM_001406797.1, NM_001406801.1, NM_001406805.1 and 10 more transcripts); c.736T>C, p.Phe246Leu (NM_001406799.1, NM_001406806.1, NM_001406807.1); c.1183T>C, p.Phe395Leu (NM_001406804.1); c.1267T>C, p.Phe423Leu (NM_001406813.1); and 2 more; short protein forms F119L, F246L, F291L, F322L, F365L, F395L, F421L, F423L.
Identifiers: ClinVar variation 4800196 (VCV004800196.1).

ClinVar aggregate classification (germline): Uncertain significance (1 of 4 stars; one submission).

Conditions:
Hereditary nonpolyposis colorectal neoplasms. Identifiers: MedGen C0009405, MeSH D003123.

Submission:

Labcorp Genetics (formerly Invitae), Labcorp
Classification: Uncertain significance for Hereditary nonpolyposis colorectal neoplasms. Last evaluated: 2025-04-08. Review status: criteria provided, single submitter. Criteria: Invitae Variant Classification Sherloc (09022015). Collection method: clinical testing. Allele origin: germline.
Comment: This sequence change replaces phenylalanine, which is neutral and non-polar, with leucine, which is neutral and non-polar, at codon 421 of the MSH6 protein (p.Phe421Leu). This variant is not present in population databases (gnomAD no frequency). This variant has not been reported in the literature in individuals affected with MSH6-related conditions. Invitae Evidence Modeling of protein sequence and biophysical properties (such as structural, functional, and spatial information, amino acid conservation, physicochemical variation, residue mobility, and thermodynamic stability) has been performed for this missense variant. However, the output from this modeling did not meet the statistical confidence thresholds required to predict the impact of this variant on MSH6 protein function. In summary, the available evidence is currently insufficient to determine the role of this variant in disease. Therefore, it has been classified as a Variant of Uncertain Significance.